The following is an entry in ClinVar:

NM_007118.4(TRIO):c.163C>T (p.Arg55Ter)

Gene: TRIO (trio Rho guanine nucleotide exchange factor; plus strand). Cytogenetic location: 5p15.2.
Variant type: single nucleotide variant.
Coding change: c.163C>T on transcript NM_007118.4 (MANE Select); coding-DNA position 163, C replaced by T.
Protein change: p.Arg55Ter; replaces arginine 55 with a stop codon.
Molecular consequence: nonsense. On other transcripts: non-coding transcript variant (1).
Genome position (GRCh38, 1-based): chr5:14,270,830, C>T. VCF-style: chr5-14270830-C-T. GRCh37 (hg19) VCF-style: chr5-14270939-C-T.
Other names: short protein forms R55*.
Identifiers: ClinVar variation 1804429 (VCV001804429.2), dbSNP rs1359262571, ClinGen allele CA359192678.

ClinVar aggregate classification (germline): Pathogenic (1 of 4 stars; one submission).

Submission:

GeneDx
Classification: Pathogenic. Last evaluated: 2024-12-22. Review status: criteria provided, single submitter. Criteria: GeneDx Variant Classification Process June 2021. Collection method: clinical testing. Allele origin: germline.
Comment: Nonsense variant predicted to result in protein truncation or nonsense mediated decay in a gene for which loss of function is a known mechanism of disease; Not observed at significant frequency in large population cohorts (gnomAD); This variant is associated with the following publications: (PMID: 34799694, 36475376)